The following is an entry in ClinVar:

ClinVar aggregate classification (germline): Uncertain significance (1 of 4 stars; one submission).

Conditions:
Immunodeficiency 31B. Also called: IMMUNODEFICIENCY 31B, MYCOBACTERIAL AND VIRAL INFECTIONS, AUTOSOMAL RECESSIVE; STAT1 DEFICIENCY, AUTOSOMAL RECESSIVE. Identifiers: Orphanet 391311, MedGen C3151088, MONDO:0013427, OMIM 613796.
Mendelian susceptibility to mycobacterial diseases due to partial STAT1 deficiency. Also called: IMMUNODEFICIENCY 31A, MYCOBACTERIOSIS, AUTOSOMAL DOMINANT; STAT1 DEFICIENCY, AUTOSOMAL DOMINANT; Immunodeficiency 31a. Identifiers: Orphanet 319595, MedGen C4013950, MONDO:0013956, OMIM 614892.
Autoimmune enteropathy and endocrinopathy - susceptibility to chronic infections syndrome. Also called: Immunodeficiency 31C; Immunodeficiency 31C, autosomal dominant. Identifiers: Orphanet 391487, MedGen C3279990, MONDO:0013599, OMIM 614162.

Submission:

Labcorp Genetics (formerly Invitae), Labcorp
Classification: Uncertain significance for Mendelian susceptibility to mycobacterial diseases due to partial STAT1 deficiency; Immunodeficiency 31B; Autoimmune enteropathy and endocrinopathy - susceptibility to chronic infections syndrome. Last evaluated: 2025-04-03. Review status: criteria provided, single submitter. Criteria: Invitae Variant Classification Sherloc (09022015). Collection method: clinical testing. Allele origin: germline.
Comment: This sequence change replaces glutamic acid, which is acidic and polar, with alanine, which is neutral and non-polar, at codon 29 of the STAT1 protein (p.Glu29Ala). This variant is not present in population databases (gnomAD no frequency). This missense change has been observed in individual(s) with STAT1-related conditions (PMID: 34718945). ClinVar contains an entry for this variant (Variation ID: 3757276). An algorithm developed to predict the effect of missense changes on protein structure and function (PolyPhen-2) suggests that this variant is likely to be disruptive. In summary, the available evidence is currently insufficient to determine the role of this variant in disease. Therefore, it has been classified as a Variant of Uncertain Significance.

Literature cited by the submitters: PubMed 34718945.

NM_007315.4(STAT1):c.86A>C (p.Glu29Ala)

Gene: STAT1 (signal transducer and activator of transcription 1; minus strand). Cytogenetic location: 2q32.2.
Variant type: single nucleotide variant.
Coding change: c.86A>C on transcript NM_007315.4 (MANE Select); coding-DNA position 86, A replaced by C.
Protein change: p.Glu29Ala; replaces glutamic acid 29 with alanine.
Molecular consequence: missense variant.
Genome position (GRCh38, 1-based): chr2:191,009,918, T>G on the plus strand (A>C on the coding strand, the complement: STAT1 is on the minus strand). VCF-style: chr2-191009918-T-G. GRCh37 (hg19) VCF-style: chr2-191874644-T-G.
Other names: c.92A>C, p.Glu31Ala (NM_001384884.1, NM_001384881.1); c.86A>C, p.Glu29Ala (NM_001384885.1, NM_001384886.1, NM_001384887.1 and 8 more transcripts); short protein forms E29A, E31A.
Identifiers: ClinVar variation 3757276 (VCV003757276.2).